The following is an entry in ClinVar:

NM_001199397.3(NEK1):c.3848A>G (p.Asp1283Gly)

Gene: NEK1 (NIMA related kinase 1; minus strand). Cytogenetic location: 4q33.
Variant type: single nucleotide variant.
Coding change: c.3848A>G on transcript NM_001199397.3 (MANE Select); coding-DNA position 3848, A replaced by G.
Protein change: p.Asp1283Gly; replaces aspartic acid 1283 with glycine.
Molecular consequence: missense variant. On other transcripts: non-coding transcript variant (1).
Genome position (GRCh38, 1-based): chr4:169,394,523, T>C on the plus strand (A>G on the coding strand, the complement: NEK1 is on the minus strand). VCF-style: chr4-169394523-T-C. GRCh37 (hg19) VCF-style: chr4-170315674-T-C.
Other names: c.3716A>G, p.Asp1239Gly (NM_001199398.3); c.3557A>G, p.Asp1186Gly (NM_001199399.3); c.3632A>G, p.Asp1211Gly (NM_001199400.3); c.3848A>G, p.Asp1283Gly (NM_001374418.1); c.3764A>G, p.Asp1255Gly (NM_001374419.1, NM_012224.4); c.3713A>G, p.Asp1238Gly (NM_001374420.1); c.3365A>G, p.Asp1122Gly (NM_001374421.1); c.3671A>G, p.Asp1224Gly (NM_001440620.1); and 5 more; short protein forms D1004G, D1048G, D1122G, D1152G, D1180G, D1186G, D1196G, D1211G.
Identifiers: ClinVar variation 4807688 (VCV004807688.1).

ClinVar aggregate classification (germline): Uncertain significance (1 of 4 stars; one submission).

Conditions:
Short-rib thoracic dysplasia 6 with or without polydactyly (SRTD6). Also called: SHORT RIB-POLYDACTYLY SYNDROME, TYPE IIA; SHORT-RIB THORACIC DYSPLASIA 6 WITHOUT POLYDACTYLY; POLYDACTYLY WITH NEONATAL CHONDRODYSTROPHY, TYPE II; Majewski Syndrome; SHORT-RIB THORACIC DYSPLASIA 6 WITH POLYDACTYLY. Identifiers: MedGen C0024507, MONDO:0009894, OMIM 263520.

gnomAD v4.1: 3 of 1,407,618 alleles (0.00021%); highest among the groups gnomAD compares: Non-Finnish European, 0.00029%; no homozygotes.

Submission:

Labcorp Genetics (formerly Invitae), Labcorp
Classification: Uncertain significance for Short-rib thoracic dysplasia 6 with or without polydactyly. Last evaluated: 2025-06-10. Review status: criteria provided, single submitter. Criteria: Invitae Variant Classification Sherloc (09022015). Collection method: clinical testing. Allele origin: germline.
Comment: This sequence change replaces aspartic acid, which is acidic and polar, with glycine, which is neutral and non-polar, at codon 1255 of the NEK1 protein (p.Asp1255Gly). The frequency data for this variant in the population databases is considered unreliable, as metrics indicate poor data quality at this position in the gnomAD database. This variant has not been reported in the literature in individuals affected with NEK1-related conditions. An algorithm developed to predict the effect of missense changes on protein structure and function (PolyPhen-2) suggests that this variant is likely to be tolerated. In summary, the available evidence is currently insufficient to determine the role of this variant in disease. Therefore, it has been classified as a Variant of Uncertain Significance.